The following is an entry in ClinVar:

ClinVar aggregate classification (germline): Likely pathogenic (1 of 4 stars; one submission).

Conditions:
Pyruvate dehydrogenase E1-alpha deficiency (PDHAD). Also called: ATAXIA, INTERMITTENT, WITH PYRUVATE DEHYDROGENASE DEFICIENCY; ATAXIA WITH LACTIC ACIDOSIS I; ATAXIA, INTERMITTENT, WITH ABNORMAL PYRUVATE METABOLISM; Ataxia, intermittent, with pyruvate dehydrogenase, or decarboxylase, deficiency. Identifiers: Orphanet 79243, MedGen C1839413, MONDO:0010717, OMIM 312170.

Submission:

3billion
Classification: Likely pathogenic for Pyruvate dehydrogenase E1-alpha deficiency. Last evaluated: 2022-09-01. Review status: criteria provided, single submitter. Criteria: ACMG Guidelines, 2015. Collection method: clinical testing. Allele origin: germline. Affected: yes. Observed: 1 heterozygote.
Comment: The variant is not observed in the gnomAD v2.1.1 dataset. Frameshift variant is predicted to result in a loss or disruption of normal protein function through protein truncation. The predicted truncated protein may be shortened by less than 10%. However, several pathogenic frameshift variants downstream of the patient's variant were reported. Therefore, this variant is classified as likely pathogenic according to the recommendation of ACMG/AMP guideline.

NM_000284.4(PDHA1):c.1109_1122del (p.Ser370fs)

Gene: PDHA1 (pyruvate dehydrogenase E1 subunit alpha 1; plus strand). Cytogenetic location: Xp22.12.
Variant type: Deletion.
Coding change: c.1109_1122del on transcript NM_000284.4 (MANE Select); coding-DNA positions 1109 to 1122, 14 bases deleted (CCAGCGACCCACCT).
Protein change: p.Ser370fs; shifts the reading frame from serine 370.
Molecular consequence: frameshift variant.
Genome position (GRCh38, 1-based): chrX:19,359,589-19,359,602, CCAGCGACCCACCT deleted; deleting any 14 consecutive bases within chrX:19,359,587-19,359,602 gives the same sequence; the c. name uses the placement nearest the transcript's 3' end. VCF-style (leftmost placement, unchanged base first): chrX-19359586-ACTCCAGCGACCCAC-A. GRCh37 (hg19) VCF-style: chrX-19377704-ACTCCAGCGACCCAC-A.
Other names: c.1223_1236del, p.Ser408fs (NM_001173454.2); c.1130_1143del, p.Ser377fs (NM_001173455.2); c.1016_1029del, p.Ser339fs (NM_001173456.2); short protein forms S339fs, S370fs, S377fs, S408fs.
Identifiers: ClinVar variation 1705701 (VCV001705701.2), dbSNP rs2518507871, ClinGen allele CA2580100441.